The following is an entry in ClinVar:

NM_144499.3(GNAT1):c.401C>T (p.Ala134Val)

Gene: GNAT1 (G protein subunit alpha transducin 1; plus strand). Cytogenetic location: 3p21.31.
Variant type: single nucleotide variant.
Coding change: c.401C>T on transcript NM_144499.3 (MANE Select); coding-DNA position 401, C replaced by T.
Protein change: p.Ala134Val; replaces alanine 134 with valine.
Molecular consequence: missense variant.
Genome position (GRCh38, 1-based): chr3:50,193,615, C>T. VCF-style: chr3-50193615-C-T. GRCh37 (hg19) VCF-style: chr3-50231048-C-T.
Other names: c.401C>T, p.Ala134Val (NM_000172.4); short protein forms A134V.
Identifiers: ClinVar variation 1932378 (VCV001932378.5), dbSNP rs1699452379, ClinGen allele CA352915322.

ClinVar aggregate classification (germline): Uncertain significance (1 of 4 stars; one submission).

Allele frequency attached by ClinVar (database versions not stated): gnomAD exomes below 0.00001.
gnomAD v4.1: 1 of 1,612,716 alleles (0.000062%); highest among the groups gnomAD compares: Non-Finnish European, 0.000085%; no homozygotes.

Submission:

Labcorp Genetics (formerly Invitae), Labcorp
Classification: Uncertain significance. Last evaluated: 2022-08-08. Review status: criteria provided, single submitter. Criteria: Invitae Variant Classification Sherloc (09022015). Collection method: clinical testing. Allele origin: germline.
Comment: In summary, the available evidence is currently insufficient to determine the role of this variant in disease. Therefore, it has been classified as a Variant of Uncertain Significance. Algorithms developed to predict the effect of sequence changes on RNA splicing suggest that this variant may disrupt the consensus splice site. Algorithms developed to predict the effect of missense changes on protein structure and function (SIFT, PolyPhen-2, Align-GVGD) all suggest that this variant is likely to be tolerated. This variant has not been reported in the literature in individuals affected with GNAT1-related conditions. This variant is not present in population databases (gnomAD no frequency). This sequence change replaces alanine, which is neutral and non-polar, with valine, which is neutral and non-polar, at codon 134 of the GNAT1 protein (p.Ala134Val).